The following is an entry in ClinVar:

ClinVar aggregate classification (germline): Uncertain significance (1 of 4 stars; one submission).

Submission:

Labcorp Genetics (formerly Invitae), Labcorp
Classification: Uncertain significance. Last evaluated: 2023-02-01. Review status: criteria provided, single submitter. Criteria: Invitae Variant Classification Sherloc (09022015). Collection method: clinical testing. Allele origin: germline.
Comment: This sequence change replaces threonine, which is neutral and polar, with alanine, which is neutral and non-polar, at codon 375 of the FLNB protein (p.Thr375Ala). This variant is not present in population databases (gnomAD no frequency). This variant has not been reported in the literature in individuals affected with FLNB-related conditions. Advanced modeling of protein sequence and biophysical properties (such as structural, functional, and spatial information, amino acid conservation, physicochemical variation, residue mobility, and thermodynamic stability) performed at Invitae indicates that this missense variant is not expected to disrupt FLNB protein function. In summary, the available evidence is currently insufficient to determine the role of this variant in disease. Therefore, it has been classified as a Variant of Uncertain Significance.

NM_001457.4(FLNB):c.1123A>G (p.Thr375Ala)

Gene: FLNB (filamin B; plus strand). Cytogenetic location: 3p14.3.
Variant type: single nucleotide variant.
Coding change: c.1123A>G on transcript NM_001457.4 (MANE Select); coding-DNA position 1123, A replaced by G.
Protein change: p.Thr375Ala; replaces threonine 375 with alanine.
Molecular consequence: missense variant.
Genome position (GRCh38, 1-based): chr3:58,097,953, A>G. VCF-style: chr3-58097953-A-G. GRCh37 (hg19) VCF-style: chr3-58083680-A-G.
Other names: c.1123A>G, p.Thr375Ala (NM_001164317.2, NM_001164318.2, NM_001164319.2); short protein forms T375A.
Identifiers: ClinVar variation 2831584 (VCV002831584.3), dbSNP rs2471050819, ClinGen allele CA353335858.
Genomic context (GRCh38, chr3:58,097,953, plus strand): 5'-AGTAAAGTCACTGCAAAAGGTCCAGGGTTGGAAGCTGTAGGGAACATCGCCAATAAGCCC[A>G]CCTACTTTGACATCTATACGGCAGGTAACGTGCCTCTCCTCCATGGATCTGACCTTTGCG-3'
Protein context (NP_001448.2, residues 365-385): EAVGNIANKP[Thr375Ala]YFDIYTAGAG